The following is an entry in ClinVar:

NM_020987.5(ANK3):c.11674G>A (p.Val3892Ile)

Gene: ANK3 (ankyrin 3; minus strand). Cytogenetic location: 10q21.2.
Variant type: single nucleotide variant.
Coding change: c.11674G>A on transcript NM_020987.5 (MANE Select); coding-DNA position 11674, G replaced by A.
Protein change: p.Val3892Ile; replaces valine 3892 with isoleucine.
Molecular consequence: missense variant. On other transcripts: intron variant (4).
Genome position (GRCh38, 1-based): chr10:60,069,207, C>T on the plus strand (G>A on the coding strand, the complement: ANK3 is on the minus strand). VCF-style: chr10-60069207-C-T. GRCh37 (hg19) VCF-style: chr10-61828965-C-T.
Other names: c.4388-1198G>A (NM_001204403.2); c.4409-1198G>A (NM_001204404.2); c.4406-1198G>A (NM_001320874.2); c.1808-1198G>A (NM_001149.4); c.11674G>A (NM_020987.3); short protein forms V3892I.
Identifiers: ClinVar variation 1336359 (VCV001336359.5), dbSNP rs2082224421, ClinGen allele CA376996191.
Genomic context (GRCh38, chr10:60,069,207, plus strand): 5'-TGGACTTTACATCTACACATGAAGAAGTAGTAAGGGCTTTGGTTTTCTCGGATTGACTAA[C>T]CTGCTTCATTTTACTTGCTTTAGTGTTTGACATATGGTTCGGTGGGAAGGTATCTTTTGG-3'
Protein context (NP_066267.2, residues 3882-3902): SNTKASKMKQ[Val3892Ile]SQSEKTKALT

ClinVar aggregate classification (germline): Uncertain significance. Review status: criteria provided, multiple submitters, no conflicts (2 of 4 stars). 2 submissions from 2 submitters: Uncertain significance (2). Last evaluated 2024-01-04.

gnomAD v4.1: 11 of 1,614,138 alleles (0.00068%); highest among the groups gnomAD compares: Non-Finnish European, 0.00093%; no homozygotes.

Submissions (2):

GeneDx
Classification: Uncertain significance. Last evaluated: 2024-01-04. Review status: criteria provided, single submitter. Criteria: GeneDx Variant Classification Process June 2021. Collection method: clinical testing. Allele origin: germline. Affected: yes.
Comment: Not observed at significant frequency in large population cohorts (gnomAD); In silico analysis supports that this missense variant does not alter protein structure/function; Has not been previously published as pathogenic or benign to our knowledge

Genetic Services Laboratory, University of Chicago
Classification: Uncertain significance. Last evaluated: 2017-11-28. Review status: criteria provided, single submitter. Criteria: ACMG Guidelines, 2015. Collection method: clinical testing. Allele origin: germline. Affected: no.